The following is an entry in ClinVar:

NC_000009.11:g.(?_135785948)_(135820530_?)dup

Genes: TSC1 (TSC complex subunit 1; minus strand), LOC130002883 (ATAC-STARR-seq lymphoblastoid silent region 20438; plus strand), LOC130002884 (ATAC-STARR-seq lymphoblastoid silent region 20439; plus strand). Cytogenetic location: 9q34.13.
Variant type: Duplication.
Identifiers: ClinVar variation 641548 (VCV000641548.3).

ClinVar aggregate classification (germline): Uncertain significance (1 of 4 stars; one submission).

Conditions:
Tuberous sclerosis 1 (TSC1). Identifiers: Orphanet 805, MedGen C1854465, MONDO:0008612, OMIM 191100.

Submission:

Labcorp Genetics (formerly Invitae), Labcorp
Classification: Uncertain significance for Tuberous sclerosis 1. Last evaluated: 2018-08-09. Review status: criteria provided, single submitter. Criteria: Invitae Variant Classification Sherloc (09022015). Collection method: clinical testing. Allele origin: germline.
Comment: This variant has not been reported in the literature in individuals with TSC1-related disease. In summary, the available evidence is currently insufficient to determine the role of this variant in disease. Therefore, it has been classified as a Variant of Uncertain Significance. Experimental studies and prediction algorithms are not available for this variant, and the functional significance of this duplication is currently unknown. This variant results in a copy number gain of the genomic region encompassing exons 1-12 of the TSC1 gene. The 5' end of this event is unknown as it extends beyond the assayed region for this gene and therefore may encompass additional genes. The 3' boundary is likely confined to intron 12 of the TSC1 gene. As the precise location of this event is unknown, it may be in tandem or it may be located elsewhere in the genome.